The following is an entry in ClinVar:

NM_015459.5(ATL3):c.561+6T>G

Genes: ATL3 (atlastin GTPase 3; minus strand), LNCROPM (lncRNA regulator of PLAAT3 mediated phospholipid metabolism; plus strand). Cytogenetic location: 11q13.1.
Variant type: single nucleotide variant.
Coding change: c.561+6T>G on transcript NM_015459.5 (MANE Select); 6 bases into the intron after coding-DNA position 561, T replaced by G.
Molecular consequence: intron variant.
Genome position (GRCh38, 1-based): chr11:63,651,930, A>C on the plus strand (T>G on the coding strand, the complement: ATL3 is on the minus strand). VCF-style: chr11-63651930-A-C. GRCh37 (hg19) VCF-style: chr11-63419402-A-C.
Other names: c.507+6T>G (NM_001290048.2).
Identifiers: ClinVar variation 582476 (VCV000582476.9), dbSNP rs893309308, ClinGen allele CA223748066.
Genomic context (GRCh38, chr11:63,651,930, plus strand): 5'-AAAATGTTCCTTAATCTTAAAACTTTTAAATAATATGATGTTAAAATTGTTATGAGAAAT[A>C]TATACCTGCAGCTGTTGAAGATCATCTTCTTGAATGTTCTGAGATAAATTATAAATCTAG-3'

ClinVar aggregate classification (germline): Conflicting classifications of pathogenicity. Review status: criteria provided, conflicting classifications (1 of 4 stars). 2 submissions from 2 submitters: Uncertain significance (1); Likely benign (1). Last evaluated 2026-07-15.

Conditions:
ATL3-related disorder. Also called: ATL3-related condition.
Neuropathy, hereditary sensory, type 1F. Also called: HSN IF; Hereditary sensory neuropathy type IF. Identifiers: Orphanet 36386, MedGen C3810194, MONDO:0014286, OMIM 615632.

Allele frequency attached by ClinVar (database versions not stated): gnomAD exomes below 0.00001; gnomAD 0.00002; TOPMed 0.00002.
gnomAD v4.1: 9 of 1,591,396 alleles (0.00057%); highest among the groups gnomAD compares: Non-Finnish European, 0.00077%; no homozygotes.

Submissions (2):

PreventionGenetics, part of Exact Sciences
Classification: Likely benign for ATL3-related condition. Last evaluated: 2026-07-15. Review status: criteria provided, single submitter. Criteria: ACMG Guidelines, 2015. Collection method: clinical testing. Allele origin: germline.
Comment: This variant is classified as likely benign based on ACMG/AMP sequence variant interpretation guidelines (Richards et al. 2015 PMID: 25741868, with internal and published modifications).

Labcorp Genetics (formerly Invitae), Labcorp
Classification: Uncertain significance for Neuropathy, hereditary sensory, type 1F. Last evaluated: 2023-05-02. Review status: criteria provided, single submitter. Criteria: Invitae Variant Classification Sherloc (09022015). Collection method: clinical testing. Allele origin: germline.
Comment: This variant has not been reported in the literature in individuals affected with ATL3-related conditions. In summary, the available evidence is currently insufficient to determine the role of this variant in disease. Therefore, it has been classified as a Variant of Uncertain Significance. Variants that disrupt the consensus splice site are a relatively common cause of aberrant splicing (PMID: 17576681, 9536098). Algorithms developed to predict the effect of sequence changes on RNA splicing suggest that this variant is not likely to affect RNA splicing. ClinVar contains an entry for this variant (Variation ID: 582476). This variant is present in population databases (no rsID available, gnomAD 0.01%). This sequence change falls in intron 5 of the ATL3 gene. It does not directly change the encoded amino acid sequence of the ATL3 protein. It affects a nucleotide within the consensus splice site.

Literature cited by the submitters: PubMed 17576681 (cited by Labcorp Genetics (formerly Invitae), Labcorp); PubMed 9536098 (cited by Labcorp Genetics (formerly Invitae), Labcorp).